The following is an entry in ClinVar:

NM_206937.2(LIG4):c.2690C>G (p.Ser897Ter)

Gene: LIG4 (DNA ligase 4; minus strand). Cytogenetic location: 13q33.3.
Variant type: single nucleotide variant.
Coding change: c.2690C>G on transcript NM_206937.2 (MANE Select); coding-DNA position 2690, C replaced by G.
Protein change: p.Ser897Ter; replaces serine 897 with a stop codon.
Molecular consequence: nonsense.
Genome position (GRCh38, 1-based): chr13:108,208,579, G>C on the plus strand (C>G on the coding strand, the complement: LIG4 is on the minus strand). VCF-style: chr13-108208579-G-C. GRCh37 (hg19) VCF-style: chr13-108860927-G-C.
Other names: c.2690C>G, p.Ser897Ter (NM_001098268.2, NM_001352598.2, NM_001352599.2 and 6 more transcripts); c.2489C>G, p.Ser830Ter (NM_001330595.2); c.2726C>G, p.Ser909Ter (NM_001352604.2); short protein forms S830*, S897*, S909*.
Identifiers: ClinVar variation 1020928 (VCV001020928.6), dbSNP rs750080610, ClinGen allele CA7043443.

ClinVar aggregate classification (germline): Pathogenic (1 of 4 stars; one submission).

Conditions:
DNA ligase IV deficiency. Identifiers: Orphanet 99812, MedGen C1847827, MONDO:0011686, OMIM 606593.

Allele frequency attached by ClinVar (database versions not stated): gnomAD exomes below 0.00001; ExAC 0.00001; gnomAD 0.00003 and 0.00004.
gnomAD v4.1: 10 of 1,612,636 alleles (0.00062%); highest among the groups gnomAD compares: Admixed American, 0.0067%; no homozygotes.

Submission:

Labcorp Genetics (formerly Invitae), Labcorp
Classification: Pathogenic for DNA ligase IV deficiency. Last evaluated: 2023-10-22. Review status: criteria provided, single submitter. Criteria: Invitae Variant Classification Sherloc (09022015). Collection method: clinical testing. Allele origin: germline.
Comment: This sequence change creates a premature translational stop signal (p.Ser897*) in the LIG4 gene. While this is not anticipated to result in nonsense mediated decay, it is expected to disrupt the last 15 amino acid(s) of the LIG4 protein. This variant is present in population databases (rs750080610, gnomAD 0.003%). This variant has not been reported in the literature in individuals affected with LIG4-related conditions. ClinVar contains an entry for this variant (Variation ID: 1020928). Experimental studies and prediction algorithms are not available or were not evaluated, and the functional significance of this variant is currently unknown. This variant disrupts a region of the LIG4 protein in which other variant(s) (p.Gln904*) have been determined to be pathogenic (PMID: 34630384). This suggests that this is a clinically significant region of the protein, and that variants that disrupt it are likely to be disease-causing. For these reasons, this variant has been classified as Pathogenic.

Literature cited by the submitters: PubMed 34630384.